The following is an entry in ClinVar:

ClinVar aggregate classification (germline): Uncertain significance. Review status: criteria provided, multiple submitters, no conflicts (2 of 4 stars). 3 submissions from 3 submitters: Uncertain significance (3). Last evaluated 2026-06-20.

Conditions:
Aortic aneurysm, familial thoracic 4 (AAT4). Also called: AORTIC ANEURYSM/AORTIC DISSECTION AND PATENT DUCTUS ARTERIOSUS. Identifiers: MedGen C1851504, MONDO:0007568, OMIM 132900.
Familial thoracic aortic aneurysm and aortic dissection (TAAD). Also called: Thoracic aortic aneurysms and dissections. Identifiers: Orphanet 91387, MedGen C4707243, MONDO:0019625.

Submissions (3):

Ambry Genetics
Classification: Uncertain significance for Familial thoracic aortic aneurysm and aortic dissection. Last evaluated: 2026-06-20. Review status: criteria provided, single submitter. Criteria: Ambry Variant Classification Scheme 2023. Collection method: clinical testing. Allele origin: germline.
Comment: The p.D1143V variant (also known as c.3428A>T), located in coding exon 25 of the MYH11 gene, results from an A to T substitution at nucleotide position 3428. The aspartic acid at codon 1143 is replaced by valine, an amino acid with highly dissimilar properties. This amino acid position is conserved. In addition, this alteration is predicted to be deleterious by in silico analysis. Based on the available evidence, the clinical significance of this variant remains unclear.

All of Us Research Program, National Institutes of Health
Classification: Uncertain significance for Familial thoracic aortic aneurysm and aortic dissection. Last evaluated: 2024-02-05. Review status: criteria provided, single submitter. Criteria: ACMG Guidelines, 2015. Collection method: clinical testing. Allele origin: germline. Inheritance: Autosomal dominant inheritance. Observed: 1 variant allele, 1 heterozygote.
Comment: This missense variant replaces aspartic acid with valine at codon 1150 of the MYH11 protein. Computational prediction suggests that this variant may have deleterious impact on protein structure and function (internally defined REVEL score threshold >= 0.7, PMID: 27666373). To our knowledge, functional studies have not been reported for this variant. This variant has not been reported in individuals affected with MYH11-related disorders in the literature. This variant has not been identified in the general population by the Genome Aggregation Database (gnomAD). The available evidence is insufficient to determine the role of this variant in disease conclusively. Therefore, this variant is classified as a Variant of Uncertain Significance.

This study involves interpretation of variants in research participants for the purpose of population health screening. Participant phenotype was not available at the time of variant classification. Additional details can be found in publication PMID: 35346344, PMCID: PMC8962531

Labcorp Genetics (formerly Invitae), Labcorp
Classification: Uncertain significance for Aortic aneurysm, familial thoracic 4. Last evaluated: 2022-12-23. Review status: criteria provided, single submitter. Criteria: Invitae Variant Classification Sherloc (09022015). Collection method: clinical testing. Allele origin: germline.
Comment: In summary, the available evidence is currently insufficient to determine the role of this variant in disease. Therefore, it has been classified as a Variant of Uncertain Significance. Advanced modeling of protein sequence and biophysical properties (such as structural, functional, and spatial information, amino acid conservation, physicochemical variation, residue mobility, and thermodynamic stability) performed at Invitae indicates that this missense variant is not expected to disrupt MYH11 protein function. This sequence change replaces aspartic acid, which is acidic and polar, with valine, which is neutral and non-polar, at codon 1150 of the MYH11 protein (p.Asp1150Val). This variant is not present in population databases (gnomAD no frequency). This variant has not been reported in the literature in individuals affected with MYH11-related conditions.

NM_002474.3(MYH11):c.3428A>T (p.Asp1143Val)

Gene: MYH11 (myosin heavy chain 11; minus strand). Cytogenetic location: 16p13.11.
Variant type: single nucleotide variant.
Coding change: c.3428A>T on transcript NM_002474.3 (MANE Select); coding-DNA position 3428, A replaced by T.
Protein change: p.Asp1143Val; replaces aspartic acid 1143 with valine.
Molecular consequence: missense variant.
Genome position (GRCh38, 1-based): chr16:15,735,444, T>A on the plus strand (A>T on the coding strand, the complement: MYH11 is on the minus strand). VCF-style: chr16-15735444-T-A. GRCh37 (hg19) VCF-style: chr16-15829301-T-A.
Other names: c.3428A>T (NM_002474.2); c.3449A>T, p.Asp1150Val (NM_001040113.2, NM_001040114.2); c.3428A>T, p.Asp1143Val (NM_022844.3); short protein forms D1150V, D1143V.
Identifiers: ClinVar variation 2733490 (VCV002733490.5), dbSNP rs2506177043, ClinGen allele CA394861892.
Genomic context (GRCh38, chr16:15,735,444, plus strand): 5'-GCTGTGCTGTCCAGTGTGTCTTCCAGCTCTGTCTTTAGGGCCTCCAGCTCCTCGCCGAGG[T>A]CTCGCTTCTGCTTTTCAGCCTTGTTCCTGGCGGCCCGCTCTGAGTCCAGGTCCTCCTGGA-3'
Protein context (NP_002465.1, residues 1133-1153): ARNKAEKQKR[Asp1143Val]LGEELEALKT